The following is an entry in ClinVar:

ClinVar aggregate classification (germline): Uncertain significance. Review status: criteria provided, multiple submitters, no conflicts (2 of 4 stars). 2 submissions from 2 submitters: Uncertain significance (2). Last evaluated 2025-11-24.

Allele frequency attached by ClinVar (database versions not stated): ExAC 0.00001; gnomAD exomes 0.00002; gnomAD 0.00008; 1000 Genomes Project 30x 0.00016; 1000 Genomes Project 0.00020; TOPMed 0.00028.
gnomAD v4.1: 30 of 1,614,156 alleles (0.0019%); highest among the groups gnomAD compares: Admixed American, 0.038%; no homozygotes.

Submissions (2):

Ambry Genetics
Classification: Uncertain significance. Last evaluated: 2025-11-24. Review status: criteria provided, single submitter. Criteria: Ambry Variant Classification Scheme 2023. Collection method: clinical testing. Allele origin: germline.

Labcorp Genetics (formerly Invitae), Labcorp
Classification: Uncertain significance. Last evaluated: 2024-11-18. Review status: criteria provided, single submitter. Criteria: Invitae Variant Classification Sherloc (09022015). Collection method: clinical testing. Allele origin: germline.
Comment: This sequence change replaces glycine, which is neutral and non-polar, with aspartic acid, which is acidic and polar, at codon 130 of the ACOX2 protein (p.Gly130Asp). This variant is present in population databases (rs184186916, gnomAD 0.003%). This variant has not been reported in the literature in individuals affected with ACOX2-related conditions. ClinVar contains an entry for this variant (Variation ID: 2751411). Invitae Evidence Modeling of protein sequence and biophysical properties (such as structural, functional, and spatial information, amino acid conservation, physicochemical variation, residue mobility, and thermodynamic stability) indicates that this missense variant is not expected to disrupt ACOX2 protein function with a negative predictive value of 80%. In summary, the available evidence is currently insufficient to determine the role of this variant in disease. Therefore, it has been classified as a Variant of Uncertain Significance.

NM_003500.4(ACOX2):c.389G>A (p.Gly130Asp)

Gene: ACOX2 (acyl-CoA oxidase 2; minus strand). Cytogenetic location: 3p14.3.
Variant type: single nucleotide variant.
Coding change: c.389G>A on transcript NM_003500.4 (MANE Select); coding-DNA position 389, G replaced by A.
Protein change: p.Gly130Asp; replaces glycine 130 with aspartic acid.
Molecular consequence: missense variant.
Genome position (GRCh38, 1-based): chr3:58,534,080, C>T on the plus strand (G>A on the coding strand, the complement: ACOX2 is on the minus strand). VCF-style: chr3-58534080-C-T. GRCh37 (hg19) VCF-style: chr3-58519807-C-T.
Other names: c.389G>A (NM_003500.3); short protein forms G130D.
Identifiers: ClinVar variation 2751411 (VCV002751411.5), dbSNP rs184186916, ClinGen allele CA2472423.